The following is an entry in ClinVar:

NM_031921.6(ATAD3B):c.430C>T (p.Gln144Ter)

Gene: ATAD3B (ATPase family AAA domain containing 3B; plus strand). Cytogenetic location: 1p36.33.
Variant type: single nucleotide variant.
Coding change: c.430C>T on transcript NM_031921.6 (MANE Select); coding-DNA position 430, C replaced by T.
Protein change: p.Gln144Ter; replaces glutamine 144 with a stop codon.
Molecular consequence: nonsense.
Genome position (GRCh38, 1-based): chr1:1,479,094, C>T. VCF-style: chr1-1479094-C-T. GRCh37 (hg19) VCF-style: chr1-1414474-C-T.
Other names: c.292C>T, p.Gln98Ter (NM_001317238.2); short protein forms Q144*, Q98*.
Identifiers: ClinVar variation 2638014 (VCV002638014.24), dbSNP rs2523883789, ClinGen allele CA337843808.
Genomic context (GRCh38, chr1:1,479,094, plus strand): 5'-CCTCTTCTCCCCCAGAGGGCCCAGTATCAAGACAAGCTGGCCCGGCAGCGCTACGAGGAC[C>T]AACTGAAGCAGCAGGTGAGCTCAGCCTCCCCTGCGAGGCGCCTGCGTCCCTGAGAACGTA-3'

ClinVar aggregate classification (germline): Uncertain significance (1 of 4 stars; one submission).

Submission:

CeGaT Center for Human Genetics Tuebingen
Classification: Uncertain significance. Last evaluated: 2022-07-01. Review status: criteria provided, single submitter. Criteria: CeGaT Center For Human Genetics Tuebingen Variant Classification Criteria Version 2. Collection method: clinical testing. Allele origin: germline. Affected: yes. Observed: 1 variant allele.
Comment: ATAD3B: PM2